The following is an entry in ClinVar:

NM_145064.3(STAC3):c.583G>A (p.Gly195Arg)

Gene: STAC3 (SH3 and cysteine rich domain 3; minus strand). Cytogenetic location: 12q13.3.
Variant type: single nucleotide variant.
Coding change: c.583G>A on transcript NM_145064.3 (MANE Select); coding-DNA position 583, G replaced by A.
Protein change: p.Gly195Arg; replaces glycine 195 with arginine.
Molecular consequence: missense variant. On other transcripts: non-coding transcript variant (1).
Genome position (GRCh38, 1-based): chr12:57,246,824, C>T on the plus strand (G>A on the coding strand, the complement: STAC3 is on the minus strand). VCF-style: chr12-57246824-C-T. GRCh37 (hg19) VCF-style: chr12-57640607-C-T.
Other names: c.466G>A, p.Gly156Arg (NM_001286256.2); c.25G>A, p.Gly9Arg (NM_001286257.2); short protein forms G9R, G195R, G156R.
Identifiers: ClinVar variation 853073 (VCV000853073.10), dbSNP rs1382250150, ClinGen allele CA385413499.

ClinVar aggregate classification (germline): Uncertain significance (1 of 4 stars; one submission).

Conditions:
Bailey-Bloch congenital myopathy (CMYO13). Also called: Native American myopathy; Congenital myopathy 13; STAC3 disorder. Identifiers: Orphanet 168572, MedGen C1850625, MONDO:0009722, OMIM 255995.

Submission:

Labcorp Genetics (formerly Invitae), Labcorp
Classification: Uncertain significance for Bailey-Bloch congenital myopathy. Last evaluated: 2025-08-18. Review status: criteria provided, single submitter. Criteria: Invitae Variant Classification Sherloc (09022015). Collection method: clinical testing. Allele origin: germline.
Comment: This sequence change replaces glycine, which is neutral and non-polar, with arginine, which is basic and polar, at codon 195 of the STAC3 protein (p.Gly195Arg). This variant is not present in population databases (gnomAD no frequency). This variant has not been reported in the literature in individuals affected with STAC3-related conditions. ClinVar contains an entry for this variant (Variation ID: 853073). Invitae Evidence Modeling of protein sequence and biophysical properties (such as structural, functional, and spatial information, amino acid conservation, physicochemical variation, residue mobility, and thermodynamic stability) indicates that this missense variant is not expected to disrupt STAC3 protein function with a negative predictive value of 80%. In summary, the available evidence is currently insufficient to determine the role of this variant in disease. Therefore, it has been classified as a Variant of Uncertain Significance.